The following is an entry in ClinVar:

ClinVar aggregate classification (germline): Uncertain significance (1 of 4 stars; one submission).

Submission:

GeneDx
Classification: Uncertain significance. Last evaluated: 2024-03-23. Review status: criteria provided, single submitter. Criteria: GeneDx Variant Classification Process June 2021. Collection method: clinical testing. Allele origin: germline. Affected: yes.
Comment: Not observed at significant frequency in large population cohorts (gnomAD); In silico analysis supports that this missense variant does not alter protein structure/function; This variant is associated with the following publications: (PMID: 37637647)

NM_000533.5(PLP1):c.67G>A (p.Gly23Arg)

Genes: PLP1 (proteolipid protein 1; plus strand), RAB9B (RAB9B, member RAS oncogene family; minus strand). Cytogenetic location: Xq22.2.
Variant type: single nucleotide variant.
Coding change: c.67G>A on transcript NM_000533.5 (MANE Select); coding-DNA position 67, G replaced by A.
Protein change: p.Gly23Arg; replaces glycine 23 with arginine.
Molecular consequence: missense variant. On other transcripts: intron variant (1).
Genome position (GRCh38, 1-based): chrX:103,785,644, G>A. VCF-style: chrX-103785644-G-A. GRCh37 (hg19) VCF-style: chrX-103040573-G-A.
Other names: c.67G>A, p.Gly23Arg (NM_001128834.3, NM_199478.3); c.5-103G>A (NM_001305004.1); short protein forms G23R.
Identifiers: ClinVar variation 3364908 (VCV003364908.1).